The following is an entry in ClinVar:

NM_001135651.3(EIF2AK2):c.973G>A (p.Gly325Ser)

Gene: EIF2AK2 (eukaryotic translation initiation factor 2 alpha kinase 2; minus strand). Cytogenetic location: 2p22.2.
Variant type: single nucleotide variant.
Coding change: c.973G>A on transcript NM_001135651.3 (MANE Select); coding-DNA position 973, G replaced by A.
Protein change: p.Gly325Ser; replaces glycine 325 with serine.
Molecular consequence: missense variant.
Genome position (GRCh38, 1-based): chr2:37,122,600, C>T on the plus strand (G>A on the coding strand, the complement: EIF2AK2 is on the minus strand). VCF-style: chr2-37122600-C-T. GRCh37 (hg19) VCF-style: chr2-37349743-C-T.
Other names: c.850G>A, p.Gly284Ser (NM_001135652.3); c.973G>A, p.Gly325Ser (NM_002759.4); short protein forms G284S, G325S.
Identifiers: ClinVar variation 818084 (VCV000818084.3), dbSNP rs1573010519, ClinGen allele CA346307731.
Genomic context (GRCh38, chr2:37,122,600, plus strand): 5'-CACTGCTCTCAAGAGAATCATCACTGGTCTCAGGATCATAATCAAATCCATCCCAACAGC[C>T]ATTGTAGTGAACAATATTTACATGATCAAGTTTTGCCAATGCTTTTACTTCACGCTCCGC-3'
Protein context (NP_001129123.1, residues 315-335): LDHVNIVHYN[Gly325Ser]CWDGFDYDPE

ClinVar aggregate classification (germline): Conflicting classifications of pathogenicity. Review status: criteria provided, conflicting classifications (1 of 4 stars). 2 submissions from 2 submitters: Likely pathogenic (1); Uncertain significance (1). Last evaluated 2020-12-18.

Conditions:
Cognitive impairment. Also called: cognitive deficit. Identifiers: MedGen C0338656, HP:0100543.
Leukoencephalopathy, developmental delay, and episodic neurologic regression syndrome. Also called: LEUDEN SYNDROME. Identifiers: MedGen C5394367, MONDO:0030035, OMIM 618877.

Submissions (2):

SIB Swiss Institute of Bioinformatics
Classification: Uncertain significance for Leukoencephalopathy, developmental delay, and episodic neurologic regression syndrome. Last evaluated: 2020-12-18. Review status: criteria provided, single submitter. Criteria: ACMG Guidelines, 2015. Collection method: curation. Allele origin: unknown.
Comment: This variant is interpreted as a variant of uncertain significance for Leukoencephalopathy, developmental delay, and episodic neurologic regression syndrome, autosomal dominant The following ACMG Tag(s) were applied: Absent from controls (or at extremely low frequency if recessive) in Exome Sequencing Project, 1000 Genomes Project, or Exome Aggregation Consortium (PM2); de novo variant (PS2 downgraded to moderate); Multiple lines of computational evidence suggest no impact on gene or gene product (BP4).

Center for Pediatric Genomic Medicine, Children's Mercy Hospital and Clinics
Classification: Likely pathogenic for Cognitive impairment. Last evaluated: 2020-02-26. Review status: criteria provided, single submitter. Criteria: ACMG Guidelines, 2015. Collection method: clinical testing. Allele origin: de novo. Affected: yes.

Literature cited by the submitters: PubMed 32197074 (cited by SIB Swiss Institute of Bioinformatics).